The following is an entry in ClinVar:

NM_001267550.2(TTN):c.42714T>A (p.His14238Gln)

Gene: TTN (titin; minus strand). Cytogenetic location: 2q31.2.
Variant type: single nucleotide variant.
Coding change: c.42714T>A on transcript NM_001267550.2 (MANE Select); coding-DNA position 42714, T replaced by A.
Protein change: p.His14238Gln; replaces histidine 14238 with glutamine.
Molecular consequence: missense variant.
Genome position (GRCh38, 1-based): chr2:178,633,645, A>T on the plus strand (T>A on the coding strand, the complement: TTN is on the minus strand). VCF-style: chr2-178633645-A-T. GRCh37 (hg19) VCF-style: chr2-179498372-A-T.
Other names: c.37791T>A, p.His12597Gln (NM_001256850.1); c.15519T>A, p.His5173Gln (NM_003319.4); c.35010T>A, p.His11670Gln (NM_133378.4); c.15894T>A, p.His5298Gln (NM_133432.3); c.16095T>A, p.His5365Gln (NM_133437.4); short protein forms H11670Q, H12597Q, H14238Q, H5173Q, H5298Q, H5365Q.
Identifiers: ClinVar variation 1305474 (VCV001305474.3), dbSNP rs1438979717, ClinGen allele CA349654201.

ClinVar aggregate classification (germline): Uncertain significance. Review status: criteria provided, multiple submitters, no conflicts (2 of 4 stars). 2 submissions from 2 submitters: Uncertain significance (2). Last evaluated 2023-04-11.

Conditions:
Dilated cardiomyopathy 1G (CMD1G). Identifiers: Orphanet 154, MedGen C1858763, MONDO:0011400, OMIM 604145.
Hypertrophic cardiomyopathy 9. Also called: Familial hypertrophic cardiomyopathy 9. Identifiers: MedGen C1861065, MONDO:0013412, OMIM 613765.

Allele frequency attached by ClinVar (database versions not stated): TOPMed below 0.00001; gnomAD 0.00001.
gnomAD v4.1: 26 of 1,612,828 alleles (0.0016%); highest among the groups gnomAD compares: Non-Finnish European, 0.0021%; no homozygotes.

Submissions (2):

New York Genome Center
Classification: Uncertain significance for Hypertrophic cardiomyopathy 9; Dilated cardiomyopathy 1G. Last evaluated: 2023-04-11. Review status: criteria provided, single submitter. Criteria: NYGC Assertion Criteria 2020. Collection method: clinical testing. Allele origin: germline. Observed: 1 heterozygote.

GeneDx
Classification: Uncertain significance. Last evaluated: 2019-04-29. Review status: criteria provided, single submitter. Criteria: GeneDx Variant Classification Process June 2021. Collection method: clinical testing. Allele origin: germline. Affected: yes.
Comment: Not observed in large population cohorts (Lek et al., 2016); Missense variant in a gene in which most reported pathogenic variants are truncating/loss-of-function; Has not been previously published as pathogenic or benign to our knowledge